The following is an entry in ClinVar:

ClinVar aggregate classification (germline): Uncertain significance (1 of 4 stars; one submission).

Conditions:
Inborn genetic diseases. Identifiers: MedGen C0950123, MeSH D030342.

gnomAD v4.1: 1 of 1,614,086 alleles (0.000062%); highest among the groups gnomAD compares: African/African-American, 0.0013%; no homozygotes.

Submission:

Ambry Genetics
Classification: Uncertain significance for Inborn genetic diseases. Last evaluated: 2025-06-02. Review status: criteria provided, single submitter. Criteria: Ambry Variant Classification Scheme 2023. Collection method: clinical testing. Allele origin: germline.
Comment: The p.H243N variant (also known as c.727C>A), located in coding exon 6 of the HAX1 gene, results from a C to A substitution at nucleotide position 727. The histidine at codon 243 is replaced by asparagine, an amino acid with similar properties. This amino acid position is conserved. In addition, this alteration is predicted to be tolerated by in silico analysis. Based on the available evidence, the clinical significance of this variant remains unclear.

NM_006118.4(HAX1):c.727C>A (p.His243Asn)

Gene: HAX1 (HCLS1 associated protein X-1; plus strand). Cytogenetic location: 1q21.3.
Variant type: single nucleotide variant.
Coding change: c.727C>A on transcript NM_006118.4 (MANE Select); coding-DNA position 727, C replaced by A.
Protein change: p.His243Asn; replaces histidine 243 with asparagine.
Molecular consequence: missense variant.
Genome position (GRCh38, 1-based): chr1:154,275,456, C>A. VCF-style: chr1-154275456-C-A. GRCh37 (hg19) VCF-style: chr1-154247932-C-A.
Other names: c.583C>A, p.His195Asn (NM_001018837.2); short protein forms H195N, H243N.
Identifiers: ClinVar variation 4033870 (VCV004033870.1).